The following is an entry in ClinVar:

NM_002332.3(LRP1):c.11495G>C (p.Gly3832Ala)

Gene: LRP1 (LDL receptor related protein 1; plus strand). Cytogenetic location: 12q13.3.
Variant type: single nucleotide variant.
Coding change: c.11495G>C on transcript NM_002332.3 (MANE Select); coding-DNA position 11495, G replaced by C.
Protein change: p.Gly3832Ala; replaces glycine 3832 with alanine.
Molecular consequence: missense variant.
Genome position (GRCh38, 1-based): chr12:57,205,582, G>C. VCF-style: chr12-57205582-G-C. GRCh37 (hg19) VCF-style: chr12-57599365-G-C.
Other names: c.11495G>C (NM_002332.2); short protein forms G3832A.
Identifiers: ClinVar variation 4083864 (VCV004083864.9).

ClinVar aggregate classification (germline): Conflicting classifications of pathogenicity. Review status: criteria provided, conflicting classifications (1 of 4 stars). 2 submissions from 2 submitters: Uncertain significance (1); Likely benign (1). Last evaluated 2025-08-01.

gnomAD v4.1: 1,588 of 1,613,804 alleles (0.098%); highest among the groups gnomAD compares: Non-Finnish European, 0.13%; 2 homozygotes.

Submissions (2):

CeGaT Center for Human Genetics Tuebingen
Classification: Likely benign. Last evaluated: 2025-08-01. Review status: criteria provided, single submitter. Criteria: CeGaT Center For Human Genetics Tuebingen Variant Classification Criteria Version 2. Collection method: clinical testing. Allele origin: germline. Affected: yes. Observed: 1 variant allele.
Comment: LRP1: BS2

GeneDx
Classification: Uncertain significance. Last evaluated: 2023-08-15. Review status: criteria provided, single submitter. Criteria: GeneDx Variant Classification Process June 2021. Collection method: clinical testing. Allele origin: germline.
Comment: Observed in patient with acute myocardial infarction; however, no further clinical information was provided (Pan-Lizcano et al., 2022); In silico analysis supports that this missense variant has a deleterious effect on protein structure/function; Variants in candidate genes are classified as variants of uncertain significance in accordance with ACMG guidelines (Richards et al., 2015); This variant is associated with the following publications: (PMID: 36555767)